The following is an entry in ClinVar:

NM_022765.4(MICAL1):c.1996G>A (p.Glu666Lys)

Gene: MICAL1 (microtubule associated monooxygenase, calponin and LIM domain containing 1; minus strand). Cytogenetic location: 6q21.
Variant type: single nucleotide variant.
Coding change: c.1996G>A on transcript NM_022765.4 (MANE Select); coding-DNA position 1996, G replaced by A.
Protein change: p.Glu666Lys; replaces glutamic acid 666 with lysine.
Molecular consequence: missense variant.
Genome position (GRCh38, 1-based): chr6:109,447,431, C>T on the plus strand (G>A on the coding strand, the complement: MICAL1 is on the minus strand). VCF-style: chr6-109447431-C-T. GRCh37 (hg19) VCF-style: chr6-109768634-C-T.
Other names: c.1738G>A, p.Glu580Lys (NM_001159291.2); c.2053G>A, p.Glu685Lys (NM_001286613.2); short protein forms E580K, E666K, E685K.
Identifiers: ClinVar variation 4804761 (VCV004804761.1).

ClinVar aggregate classification (germline): Uncertain significance (1 of 4 stars; one submission).

gnomAD v4.1: 20 of 1,612,392 alleles (0.0012%); highest among the groups gnomAD compares: South Asian, 0.0022%; no homozygotes.

Submission:

Labcorp Genetics (formerly Invitae), Labcorp
Classification: Uncertain significance. Last evaluated: 2025-06-24. Review status: criteria provided, single submitter. Criteria: Invitae Variant Classification Sherloc (09022015). Collection method: clinical testing. Allele origin: germline.
Comment: This sequence change replaces glutamic acid, which is acidic and polar, with lysine, which is basic and polar, at codon 685 of the MICAL1 protein (p.Glu685Lys). This variant is present in population databases (rs753753519, gnomAD 0.02%). This variant has not been reported in the literature in individuals affected with MICAL1-related conditions. An algorithm developed to predict the effect of missense changes on protein structure and function outputs the following: PolyPhen-2: "Benign". The lysine amino acid residue is found in multiple mammalian species, which suggests that this missense change does not adversely affect protein function. In summary, the available evidence is currently insufficient to determine the role of this variant in disease. Therefore, it has been classified as a Variant of Uncertain Significance.